The following is an entry in ClinVar:

NM_014000.3(VCL):c.1946C>T (p.Ala649Val)

Gene: VCL (vinculin; plus strand). Cytogenetic location: 10q22.2.
Variant type: single nucleotide variant.
Coding change: c.1946C>T on transcript NM_014000.3 (MANE Select); coding-DNA position 1946, C replaced by T.
Protein change: p.Ala649Val; replaces alanine 649 with valine.
Molecular consequence: missense variant.
Genome position (GRCh38, 1-based): chr10:74,101,021, C>T. VCF-style: chr10-74101021-C-T. GRCh37 (hg19) VCF-style: chr10-75860779-C-T.
Other names: c.1946C>T (NM_014000.2); c.1946C>T, p.Ala649Val (NM_003373.4); short protein forms A649V.
Identifiers: ClinVar variation 1470651 (VCV001470651.6), dbSNP rs1243442389, ClinGen allele CA377260657.

ClinVar aggregate classification (germline): Uncertain significance. Review status: criteria provided, multiple submitters, no conflicts (2 of 4 stars). 2 submissions from 2 submitters: Uncertain significance (2). Last evaluated 2025-07-03.

Conditions:
Cardiovascular phenotype. Identifiers: MedGen CN230736.
Dilated cardiomyopathy 1W (CMD1W). Identifiers: Orphanet 154, MedGen C1969639, MONDO:0012667, OMIM 611407.

Allele frequency attached by ClinVar (database versions not stated): gnomAD exomes below 0.00001; gnomAD 0.00001.
gnomAD v4.1: 4 of 1,613,748 alleles (0.00025%); highest among the groups gnomAD compares: Admixed American, 0.0017%; no homozygotes.

Submissions (2):

Labcorp Genetics (formerly Invitae), Labcorp
Classification: Uncertain significance for Dilated cardiomyopathy 1W. Last evaluated: 2025-07-03. Review status: criteria provided, single submitter. Criteria: Invitae Variant Classification Sherloc (09022015). Collection method: clinical testing. Allele origin: germline.
Comment: This sequence change replaces alanine, which is neutral and non-polar, with valine, which is neutral and non-polar, at codon 649 of the VCL protein (p.Ala649Val). This variant is present in population databases (no rsID available, gnomAD 0.003%). This variant has not been reported in the literature in individuals affected with VCL-related conditions. ClinVar contains an entry for this variant (Variation ID: 1470651). An algorithm developed to predict the effect of missense changes on protein structure and function (PolyPhen-2) suggests that this variant is likely to be disruptive. In summary, the available evidence is currently insufficient to determine the role of this variant in disease. Therefore, it has been classified as a Variant of Uncertain Significance.

Ambry Genetics
Classification: Uncertain significance for Cardiovascular phenotype. Last evaluated: 2024-05-04. Review status: criteria provided, single submitter. Criteria: Ambry Variant Classification Scheme 2023. Collection method: clinical testing. Allele origin: germline.
Comment: The p.A649V variant (also known as c.1946C>T), located in coding exon 14 of the VCL gene, results from a C to T substitution at nucleotide position 1946. The alanine at codon 649 is replaced by valine, an amino acid with similar properties. This amino acid position is conserved. In addition, the in silico prediction for this alteration is inconclusive. Based on the available evidence, the clinical significance of this variant remains unclear.